The following is an entry in ClinVar:

NM_014956.5(CEP164):c.2913+10C>T

Gene: CEP164 (centrosomal protein 164; plus strand). Cytogenetic location: 11q23.3.
Variant type: single nucleotide variant.
Coding change: c.2913+10C>T on transcript NM_014956.5 (MANE Select); 10 bases into the intron after coding-DNA position 2913, C replaced by T.
Molecular consequence: intron variant.
Genome position (GRCh38, 1-based): chr11:117,395,201, C>T. VCF-style: chr11-117395201-C-T. GRCh37 (hg19) VCF-style: chr11-117265917-C-T.
Other names: c.2922+10C>T (NM_001271933.2).
Identifiers: ClinVar variation 795200 (VCV000795200.10), dbSNP rs1221685717, ClinGen allele CA602137508.

ClinVar aggregate classification (germline): Likely benign. Review status: criteria provided, multiple submitters, no conflicts (2 of 4 stars). 2 submissions from 2 submitters: Likely benign (2). Last evaluated 2024-11-26.

Conditions:
CEP164-related disorder. Also called: CEP164-related condition.
Nephronophthisis 15 (NPHP15). Identifiers: Orphanet 3156, MedGen C3541853, MONDO:0013917, OMIM 614845.

gnomAD v4.1: 4 of 1,612,684 alleles (0.00025%); highest among the groups gnomAD compares: Admixed American, 0.005%; no homozygotes.

Submissions (2):

PreventionGenetics, part of Exact Sciences
Classification: Likely benign for CEP164-related condition. Last evaluated: 2024-11-26. Review status: criteria provided, single submitter. Criteria: ACMG Guidelines, 2015. Collection method: clinical testing. Allele origin: germline.
Comment: This variant is classified as likely benign based on ACMG/AMP sequence variant interpretation guidelines (Richards et al. 2015 PMID: 25741868, with internal and published modifications).

Labcorp Genetics (formerly Invitae), Labcorp
Classification: Likely benign for Nephronophthisis 15. Last evaluated: 2024-11-11. Review status: criteria provided, single submitter. Criteria: Invitae Variant Classification Sherloc (09022015). Collection method: clinical testing. Allele origin: germline.